The following is an entry in ClinVar:

ClinVar aggregate classification (germline): Benign/Likely benign. Review status: criteria provided, multiple submitters, no conflicts (2 of 4 stars). 4 submissions from 4 submitters: Benign (1); Likely benign (3). Last evaluated 2025-12-13.

Conditions:
Hereditary cancer-predisposing syndrome. Also called: Hereditary neoplastic syndrome; Neoplastic Syndromes, Hereditary; Tumor predisposition; Hereditary Cancer Syndrome. Identifiers: Orphanet 140162, MedGen C0027672, MeSH D009386, MONDO:0015356.
Familial melanoma. Also called: Hereditary melanoma; Hereditary cutaneous melanoma. Identifiers: Orphanet 618, MedGen C1512419, MONDO:0018961.
Melanoma, cutaneous malignant, susceptibility to, 3. Also called: Cutaneous malignant melanoma 3. Identifiers: Orphanet 618, MedGen C1836892, MONDO:0012183, OMIM 609048.

Allele frequency attached by ClinVar (database versions not stated): gnomAD exomes below 0.00001; TOPMed 0.00001.

Submissions (4):

Labcorp Genetics (formerly Invitae), Labcorp
Classification: Likely benign for Familial melanoma. Last evaluated: 2025-12-13. Review status: criteria provided, single submitter. Criteria: Invitae Variant Classification Sherloc (09022015). Collection method: clinical testing. Allele origin: germline.

Myriad Genetics, Inc.
Classification: Benign for Melanoma, cutaneous malignant, susceptibility to, 3. Last evaluated: 2024-09-25. Review status: criteria provided, single submitter. Criteria: Myriad Autosomal Dominant, Autosomal Recessive and X-Linked Classification Criteria (2023). Collection method: clinical testing. Allele origin: unknown.
Comment: This variant is considered benign. This variant is a silent/synonymous amino acid change and it is not expected to impact splicing.

Women's Health and Genetics/Laboratory Corporation of America, LabCorp
Classification: Likely benign. Last evaluated: 2019-10-26. Review status: criteria provided, single submitter. Criteria: LabCorp Variant Classification Summary - May 2015. Collection method: clinical testing. Allele origin: germline.

Ambry Genetics
Classification: Likely benign for Hereditary cancer-predisposing syndrome. Last evaluated: 2017-04-11. Review status: criteria provided, single submitter. Criteria: Ambry Variant Classification Scheme 2023. Collection method: clinical testing. Allele origin: germline.

NM_000075.4(CDK4):c.420T>C (p.Asp140=)

Gene: CDK4 (cyclin dependent kinase 4; minus strand). Cytogenetic location: 12q14.1.
Variant type: single nucleotide variant.
Coding change: c.420T>C on transcript NM_000075.4 (MANE Select); coding-DNA position 420, T replaced by C.
Protein change: p.Asp140=; no amino-acid change (aspartic acid 140 retained).
Molecular consequence: synonymous variant.
Genome position (GRCh38, 1-based): chr12:57,751,025, A>G on the plus strand (T>C on the coding strand, the complement: CDK4 is on the minus strand). VCF-style: chr12-57751025-A-G. GRCh37 (hg19) VCF-style: chr12-58144808-A-G.
Identifiers: ClinVar variation 215631 (VCV000215631.18), dbSNP rs863224321, ClinGen allele CA335793.